The following is an entry in ClinVar:

ClinVar aggregate classification (germline): Likely pathogenic (1 of 4 stars; one submission).

Conditions:
Ataxia-telangiectasia syndrome (AT). Also called: LOUIS-BAR SYNDROME; Cerebello-oculocutaneous telangiectasia; Immunodeficiency with ataxia telangiectasia; AT, COMPLEMENTATION GROUP C; Ataxia-telangiectasia, complementation group D; ATAXIA-TELANGIECTASIA, COMPLEMENTATION GROUP A. Identifiers: Orphanet 100, MedGen C0004135, MONDO:0008840, OMIM 208900.

Submission:

Labcorp Genetics (formerly Invitae), Labcorp
Classification: Likely pathogenic for Ataxia-telangiectasia syndrome. Last evaluated: 2023-07-17. Review status: criteria provided, single submitter. Criteria: Invitae Variant Classification Sherloc (09022015). Collection method: clinical testing. Allele origin: unknown.
Comment: This variant results in a copy number gain of the genomic region encompassing exon(s) 16-29 of the ATM gene. While the exact position of this variant cannot be determined from the data, sub-genic copy number gains are generally in tandem (PMID: 25640679). This variant is predicted to be out-of-frame, and may result in an absent or disrupted protein product. Loss-of-function variants in ATM are known to be pathogenic (PMID: 23807571, 25614872). This variant has not been reported in the literature in individuals affected with ATM-related conditions. In summary, the currently available evidence indicates that the variant is pathogenic, but additional data are needed to prove that conclusively. Therefore, this variant has been classified as Likely Pathogenic.

Literature cited by the submitters: PubMed 25640679; PubMed 23807571; PubMed 25614872.

NC_000011.9:g.(?_108129693)_(108160548_?)dup

Gene: ATM (ATM serine/threonine kinase; plus strand). Cytogenetic location: 11q22.3.
Variant type: Duplication.
Identifiers: ClinVar variation 3244490 (VCV003244490.1).